The following is an entry in ClinVar:

NM_000533.5(PLP1):c.226_231dup (p.Ser77_Phe78insAlaSer)

Genes: PLP1 (proteolipid protein 1; plus strand), RAB9B (RAB9B, member RAS oncogene family; minus strand). Cytogenetic location: Xq22.2.
Variant type: Duplication.
Coding change: c.226_231dup on transcript NM_000533.5 (MANE Select); coding-DNA positions 226 to 231, 6 bases duplicated (GCCTCT; older notation c.226_231dupGCCTCT).
Protein change: p.Ser77_Phe78insAlaSer.
Molecular consequence: inframe insertion.
Genome position (GRCh38, 1-based): chrX:103,786,499-103,786,504, GCCTCT duplicated; duplicating any 6 consecutive bases within chrX:103,786,497-103,786,504 gives the same sequence; the c. name uses the placement nearest the transcript's 3' end. VCF-style (leftmost placement, unchanged base first): chrX-103786496-A-ACTGCCT. GRCh37 (hg19) VCF-style: chrX-103041425-A-ACTGCCT.
Other names: c.226_231dup, p.Ser77_Phe78insAlaSer (NM_001128834.3, NM_199478.3); c.61_66dup, p.Ser22_Phe23insAlaSer (NM_001305004.1); c.226_231dupGCCTCT (NM_000533.5).
Identifiers: ClinVar variation 3255412 (VCV003255412.2), dbSNP rs2522306812.

ClinVar aggregate classification (germline): Uncertain significance (1 of 4 stars; one submission).

Conditions:
Pelizaeus-Merzbacher disease. Also called: LEUKODYSTROPHY, HYPOMYELINATING, 1; Sudanophilic leukodystrophy; Pelizaeus-Merzbacher spectrum disorder; Pelizaeus-Merzbacher Disease (PMD); Pelizeaus-Merzbacher spectrum disorder. Identifiers: Orphanet 702, MedGen C0205711, MONDO:0010714, OMIM 312080, HP:0003269.

Submission:

Molecular Diagnostics Lab, Nemours Children's Health, Delaware
Classification: Uncertain significance for Pelizaeus-Merzbacher disease. Last evaluated: 2023-03-08. Review status: criteria provided, single submitter. Criteria: ACMG Guidelines, 2015. Collection method: clinical testing. Allele origin: maternal, unknown. Inheritance: X-linked inheritance. Affected: yes and no. Observed: 2 heterozygotes, 1 hemizygote. Clinical features observed: Hypotonia (HP:0001252), Areflexia (HP:0001284), Abnormal number of hair whorls (HP:0010813), Retrognathia (HP:0000278), Cerebral hypomyelination (HP:0006808), Stridor (HP:0010307), Global developmental delay (HP:0001263).
Comment: This variant (c.226_231dupGCCTCT, p.Ala76_Ser77dup) is an in-frame duplication of two amino acids that has not been observed in population databases (gnomAD). It has not been described in the literature, and no functional studies have been published. There is insufficient evidence to provide a classification other than uncertain significance for this variant.